The following is an entry in ClinVar:

ClinVar aggregate classification (germline): Uncertain significance (1 of 4 stars; one submission).

Conditions:
Emery-Dreifuss muscular dystrophy 5, autosomal dominant (EDMD5). Also called: EMERY-DREIFUSS MUSCULAR DYSTROPHY 5. Identifiers: Orphanet 261, MedGen C2751805, MONDO:0013072, OMIM 612999.

Allele frequency attached by ClinVar (database versions not stated): TOPMed below 0.00001; ExAC 0.00001; gnomAD 0.00001.

Submission:

Labcorp Genetics (formerly Invitae), Labcorp
Classification: Uncertain significance for Emery-Dreifuss muscular dystrophy 5, autosomal dominant. Last evaluated: 2023-08-17. Review status: criteria provided, single submitter. Criteria: Invitae Variant Classification Sherloc (09022015). Collection method: clinical testing. Allele origin: germline.
Comment: In summary, the available evidence is currently insufficient to determine the role of this variant in disease. Therefore, it has been classified as a Variant of Uncertain Significance. An algorithm developed to predict the effect of missense changes on protein structure and function (PolyPhen-2) suggests that this variant is likely to be tolerated. ClinVar contains an entry for this variant (Variation ID: 2043364). This variant has not been reported in the literature in individuals affected with SYNE2-related conditions. This variant is present in population databases (rs746225180, gnomAD 0.002%). This sequence change replaces valine, which is neutral and non-polar, with alanine, which is neutral and non-polar, at codon 4668 of the SYNE2 protein (p.Val4668Ala).

NM_182914.3(SYNE2):c.14003T>C (p.Val4668Ala)

Gene: SYNE2 (spectrin repeat containing nuclear envelope protein 2; plus strand). Cytogenetic location: 14q23.2.
Variant type: single nucleotide variant.
Coding change: c.14003T>C on transcript NM_182914.3 (MANE Select); coding-DNA position 14003, T replaced by C.
Protein change: p.Val4668Ala; replaces valine 4668 with alanine.
Molecular consequence: missense variant.
Genome position (GRCh38, 1-based): chr14:64,128,537, T>C. VCF-style: chr14-64128537-T-C. GRCh37 (hg19) VCF-style: chr14-64595255-T-C.
Other names: c.14003T>C, p.Val4668Ala (NM_015180.6); short protein forms V4668A.
Identifiers: ClinVar variation 2043364 (VCV002043364.4), dbSNP rs746225180, ClinGen allele CA7222634.
Genomic context (GRCh38, chr14:64,128,537, plus strand): 5'-AGCTCATTAAGAGTAAGACATCTTTACAACAGTCTTTGAATGAAATCAGTGGGCAGAGTG[T>C]TGCTGAACAGCTTCAGGTAATCAAGTCAAAATAATTCAGACTGACTTAACTTTGAACCAC-3'
Protein context (NP_878918.2, residues 4658-4678): QSLNEISGQS[Val4668Ala]AEQLQKADAY